The following is an entry in ClinVar:

ClinVar aggregate classification (germline): Benign (1 of 4 stars; one submission).

Allele frequency attached by ClinVar (database versions not stated): 1000 Genomes Project 30x 0.01905; 1000 Genomes Project 0.01957; TOPMed 0.02963; gnomAD 0.03603 and 0.03740.
gnomAD v4.1: 15,546 of 406,298 alleles (3.8%); highest among the groups gnomAD compares: Non-Finnish European, 5%; 434 homozygotes.

Submission:

GeneDx
Classification: Benign. Last evaluated: 2018-06-14. Review status: criteria provided, single submitter. Criteria: GeneDx Variant Classification (06012015). Collection method: clinical testing. Allele origin: germline. Affected: yes.
Comment: This variant is considered likely benign or benign based on one or more of the following criteria: it is a conservative change, it occurs at a poorly conserved position in the protein, it is predicted to be benign by multiple in silico algorithms, and/or has population frequency not consistent with disease.

NM_001999.4(FBN2):c.3344-264G>A

Gene: FBN2 (fibrillin 2; minus strand). Cytogenetic location: 5q23.3.
Variant type: single nucleotide variant.
Coding change: c.3344-264G>A on transcript NM_001999.4 (MANE Select); 264 bases into the intron before coding-DNA position 3344, G replaced by A.
Molecular consequence: intron variant.
Genome position (GRCh38, 1-based): chr5:128,339,325, C>T on the plus strand (G>A on the coding strand, the complement: FBN2 is on the minus strand). VCF-style: chr5-128339325-C-T. GRCh37 (hg19) VCF-style: chr5-127675017-C-T.
Identifiers: ClinVar variation 669972 (VCV000669972.1), dbSNP rs115736330, ClinGen allele CA127015728.
Genomic context (GRCh38, chr5:128,339,325, plus strand): 5'-GTGGTGCCTTTTCACCTTTAAAAATTCTGAATTGTGTATTTGTTTTTGTGGCTTAGAAAT[C>T]GTAACAGAAAAGGGGGGCATGGTGACTCATGCCTGTAATCTCAGCACTTGGGGAAGCCCA-3'